The following is an entry in ClinVar:

NM_000426.4(LAMA2):c.2856+13G>A

Gene: LAMA2 (laminin subunit alpha 2; plus strand). Cytogenetic location: 6q22.33.
Variant type: single nucleotide variant.
Coding change: c.2856+13G>A on transcript NM_000426.4 (MANE Select); 13 bases into the intron after coding-DNA position 2856, G replaced by A.
Molecular consequence: intron variant.
Genome position (GRCh38, 1-based): chr6:129,291,733, G>A. VCF-style: chr6-129291733-G-A. GRCh37 (hg19) VCF-style: chr6-129612878-G-A.
Other names: c.2856+13G>A (NM_001079823.2).
Identifiers: ClinVar variation 387859 (VCV000387859.13), dbSNP rs149487202, ClinGen allele CA3993077.

ClinVar aggregate classification (germline): Conflicting classifications of pathogenicity. Review status: criteria provided, conflicting classifications (1 of 4 stars). 4 submissions from 4 submitters: Uncertain significance (1); Benign (1); Likely benign (2). Last evaluated 2026-02-04.

Conditions:
Congenital muscular dystrophy due to partial LAMA2 deficiency. Identifiers: MedGen C1842898.
LAMA2-related muscular dystrophy (LAMA2-RD). Also called: Laminin alpha 2-related dystrophy. Identifiers: MedGen C5679788, MONDO:0100228.

Allele frequency attached by ClinVar (database versions not stated): gnomAD exomes 0.00024 and 0.00043; ExAC 0.00051; gnomAD 0.00117 and 0.00121; 1000 Genomes Project 30x 0.00125; TOPMed 0.00134; 1000 Genomes Project 0.00160; ESP Exome Variant Server 0.00200.
gnomAD v4.1: 516 of 1,556,516 alleles (0.033%); highest among the groups gnomAD compares: African/African-American, 0.36%; 1 homozygote.

Submissions (4):

Labcorp Genetics (formerly Invitae), Labcorp
Classification: Benign for LAMA2-related muscular dystrophy. Last evaluated: 2026-02-04. Review status: criteria provided, single submitter. Criteria: Invitae Variant Classification Sherloc (09022015). Collection method: clinical testing. Allele origin: germline.

Blueprint Genetics
Classification: Likely benign. Last evaluated: 2024-09-04. Review status: criteria provided, single submitter. Criteria: ACMG Guidelines, 2015. Collection method: clinical testing. Allele origin: germline.

Illumina Laboratory Services, Illumina
Classification: Uncertain significance for Congenital muscular dystrophy due to partial LAMA2 deficiency. Last evaluated: 2018-01-13. Review status: criteria provided, single submitter. Criteria: ICSL Variant Classification Criteria 13 December 2019. Collection method: clinical testing. Allele origin: germline.

GeneDx
Classification: Likely benign. Last evaluated: 2016-08-08. Review status: criteria provided, single submitter. Criteria: GeneDx Variant Classification (06012015). Collection method: clinical testing. Allele origin: germline. Affected: yes.
Comment: This variant is considered likely benign or benign based on one or more of the following criteria: it is a conservative change, it occurs at a poorly conserved position in the protein, it is predicted to be benign by multiple in silico algorithms, and/or has population frequency not consistent with disease.